The following is an entry in ClinVar:

ClinVar aggregate classification (germline): Benign/Likely benign. Review status: criteria provided, multiple submitters, no conflicts (2 of 4 stars). 3 submissions from 3 submitters: Benign (2); Likely benign (1). Last evaluated 2022-10-01.

Allele frequency attached by ClinVar (database versions not stated): 1000 Genomes Project 0.00260; 1000 Genomes Project 30x 0.00297; gnomAD 0.00526 and 0.00527; ESP Exome Variant Server 0.00531; TOPMed 0.00534; gnomAD exomes 0.00562; ExAC 0.00579.
gnomAD v4.1: 11,404 of 1,612,046 alleles (0.71%); highest among the groups gnomAD compares: Non-Finnish European, 0.84%; 47 homozygotes.

Submissions (3):

CeGaT Center for Human Genetics Tuebingen
Classification: Likely benign. Last evaluated: 2022-10-01. Review status: criteria provided, single submitter. Criteria: CeGaT Center For Human Genetics Tuebingen Variant Classification Criteria Version 2. Collection method: clinical testing. Allele origin: germline. Affected: yes. Observed: 1 variant allele.
Comment: KIF18A: BP4, BP7

Labcorp Genetics (formerly Invitae), Labcorp
Classification: Benign. Last evaluated: 2018-02-25. Review status: criteria provided, single submitter. Criteria: Invitae Variant Classification Sherloc (09022015). Collection method: clinical testing. Allele origin: germline.

Breakthrough Genomics
Classification: Benign. Review status: criteria provided, single submitter. Criteria: ACMG Guidelines, 2015. Collection method: not provided. Allele origin: germline. Inheritance: Unknown mechanism. Affected: yes.

NM_031217.4(KIF18A):c.2535C>T (p.Asp845=)

Gene: KIF18A (kinesin family member 18A; minus strand). Cytogenetic location: 11p14.1.
Variant type: single nucleotide variant.
Coding change: c.2535C>T on transcript NM_031217.4 (MANE Select); coding-DNA position 2535, C replaced by T.
Protein change: p.Asp845=; no amino-acid change (aspartic acid 845 retained).
Molecular consequence: synonymous variant.
Genome position (GRCh38, 1-based): chr11:28,023,820, G>A on the plus strand (C>T on the coding strand, the complement: KIF18A is on the minus strand). VCF-style: chr11-28023820-G-A. GRCh37 (hg19) VCF-style: chr11-28045367-G-A.
Identifiers: ClinVar variation 769798 (VCV000769798.28), dbSNP rs35440657, ClinGen allele CA5929338.